The following is an entry in ClinVar:

NM_019842.4(KCNQ5):c.249G>T (p.Gln83His)

Genes: KCNQ5 (potassium voltage-gated channel subfamily Q member 5; plus strand), KCNQ5-DT (KCNQ5 divergent transcript; minus strand). Cytogenetic location: 6q13.
Variant type: single nucleotide variant.
Coding change: c.249G>T on transcript NM_019842.4 (MANE Select); coding-DNA position 249, G replaced by T.
Protein change: p.Gln83His; replaces glutamine 83 with histidine.
Molecular consequence: missense variant.
Genome position (GRCh38, 1-based): chr6:72,622,438, G>T. VCF-style: chr6-72622438-G-T. GRCh37 (hg19) VCF-style: chr6-73332166-G-T.
Other names: c.249G>T, p.Gln83His (NM_001160130.2, NM_001160132.2, NM_001160133.2 and 1 more transcripts); short protein forms Q83H.
Identifiers: ClinVar variation 1711630 (VCV001711630.30), dbSNP rs1192867092, ClinGen allele CA364824446.

ClinVar aggregate classification (germline): Uncertain significance (1 of 4 stars; one submission).

Submission:

CeGaT Center for Human Genetics Tuebingen
Classification: Uncertain significance. Last evaluated: 2022-11-01. Review status: criteria provided, single submitter. Criteria: CeGaT Center For Human Genetics Tuebingen Variant Classification Criteria Version 2. Collection method: clinical testing. Allele origin: germline. Affected: yes. Observed: 2 variant alleles.
Comment: KCNQ5: PM2, PP2, PP3